The following is an entry in ClinVar:

NC_000003.12:g.169765003_169765004del

Genes: TERC (telomerase RNA component; minus strand), LOC110806306 (telomerase RNA component (TERC) promoter; plus strand). Cytogenetic location: 3q26.2.
Variant type: Deletion.
Genome position: GRCh38 VCF-style: chr3-169765002-TCA-T. GRCh37 (hg19) VCF-style: chr3-169482790-TCA-T.
Identifiers: ClinVar variation 968646 (VCV000968646.10), dbSNP rs1777964336, ClinGen allele CA1139658331.

ClinVar aggregate classification (germline): Uncertain significance (1 of 4 stars; one submission).

Conditions:
Dyskeratosis congenita, autosomal dominant 1 (DKCA1). Also called: Dyskeratosis congenita Scoggins type. Identifiers: Orphanet 1775, MedGen C4551974, MONDO:0007485, OMIM 127550. Inheritance: Variable.

Submission:

Labcorp Genetics (formerly Invitae), Labcorp
Classification: Uncertain significance for Dyskeratosis congenita, autosomal dominant 1. Last evaluated: 2019-11-06. Review status: criteria provided, single submitter. Criteria: Invitae Variant Classification Sherloc (09022015). Collection method: clinical testing. Allele origin: germline.
Comment: This variant occurs in the TERC gene, which encodes an RNA molecule that does not result in a protein product. This variant is not present in population databases (ExAC no frequency). This variant has not been reported in the literature in individuals with TERC-related conditions. This variant is located within the template/pseudoknot domain of the TERC RNA component, which is required for RNA or RNP stability (PMID: 15082312, 21844345). Functional studies testing the effect of this variant on TERC secondary structure or function have not been reported. In summary, the available evidence is currently insufficient to determine the role of this variant in disease. Therefore, it has been classified as a Variant of Uncertain Significance.

Literature cited by the submitters: PubMed 15082312; PubMed 21844345.